The following is an entry in ClinVar:

NM_000179.3(MSH6):c.2062_2147del (p.Val688fs)

Gene: MSH6 (mutS homolog 6; plus strand). Cytogenetic location: 2p16.3.
Variant type: Deletion.
Coding change: c.2062_2147del on transcript NM_000179.3 (MANE Select); coding-DNA positions 2062 to 2147, 86 bases deleted.
Protein change: p.Val688fs; shifts the reading frame from valine 688.
Molecular consequence: frameshift variant. On other transcripts: non-coding transcript variant (5), intron variant (2).
Genome position (GRCh38, 1-based): chr2:47,800,045-47,800,130, 86 bases deleted. GRCh37 (hg19): chr2:48,027,184-48,027,269.
Other names: c.1672_1757del, p.Val558fs (NM_001281492.2); c.1156_1241del, p.Val386fs (NM_001281493.2, NM_001281494.2, NM_001406811.1 and 6 more transcripts); c.2158_2243del, p.Val720fs (NM_001406795.1, NM_001406802.1); c.2062_2147del, p.Val688fs (NM_001406796.1, NM_001406798.1, NM_001406800.1 and 3 more transcripts); c.1765_1850del, p.Val589fs (NM_001406797.1, NM_001406801.1, NM_001406805.1 and 10 more transcripts); c.1537_1622del, p.Val513fs (NM_001406799.1, NM_001406806.1, NM_001406807.1); c.1984_2069del, p.Val662fs (NM_001406804.1); c.2068_2153del, p.Val690fs (NM_001406813.1); and 3 more; short protein forms V386fs, V513fs, V558fs, V589fs, V632fs, V662fs, V688fs, V690fs.
Identifiers: ClinVar variation 2673711 (VCV002673711.1), dbSNP rs2530648114, ClinGen allele CA2695200660.

ClinVar aggregate classification (germline): Pathogenic (1 of 4 stars; one submission).

Conditions:
Lynch syndrome 5 (LYNCH5). Also called: Colorectal cancer, hereditary nonpolyposis, type 5; Hereditary non-polyposis colorectal cancer, type 5. Identifiers: Orphanet 144, MedGen C1833477, MONDO:0013710, OMIM 614350. Disease mechanism: loss of function.

Submission:

Myriad Genetics, Inc.
Classification: Pathogenic for Lynch syndrome 5. Last evaluated: 2023-08-16. Review status: criteria provided, single submitter. Criteria: Myriad Autosomal Dominant, Autosomal Recessive and X-Linked Classification Criteria (2023). Collection method: clinical testing. Allele origin: unknown.
Comment: This variant is considered pathogenic. This variant creates a frameshift predicted to result in premature protein truncation.